The following is an entry in ClinVar:

ClinVar aggregate classification (germline): Pathogenic (1 of 4 stars; one submission).

Conditions:
Granulomatous disease, chronic, X-linked. Also called: GRANULOMATOUS DISEASE, CHRONIC, X-LINKED, SOMATIC MOSAIC; CYTOCHROME b-NEGATIVE GRANULOMATOUS DISEASE, CHRONIC, X-LINKED. Identifiers: Orphanet 379, MedGen C1844376, MONDO:0010600, OMIM 306400.

Submission:

Laboratorio de Genomica, Unidad de Medicina Traslacional, Hospital de Ninos R. Gutierrez
Classification: Pathogenic for Granulomatous disease, chronic, X-linked. Last evaluated: 2022-08-19. Review status: criteria provided, single submitter. Criteria: ACMG Guidelines, 2015. Collection method: clinical testing. Allele origin: maternal, not applicable. Inheritance: X-linked recessive inheritance. Affected: yes. Observed: 1 hemizygote. Functional consequence: loss_of_function_variant.
Comment: The variant c.766del (p.Glu256Asnfs*13) results in a frameshift with the creation of a premature stop codon. It is expected to result in a truncated or an absent protein due to nonsense-mediated decay. This variant is not present in population databases (gnomAD) and has not been reported in the literature in association with CYBB-related disorders. Loss-of-function variants in CYBB are a well known mechanism of disease (PMID: 30716179; PMID: 9585602). Clinical laboratory testing of the patient sample by flow cytometry, which measures the oxidation of dihydrorhodamine 123 to rhodamine 123 in phorbol myrisate acetate (PMA)-stimulated neutrophils, showed a profound impairment of phagocyte oxidase activity. Based on the evidence outlined above, the variant is classified as pathogenic according to ACMG criteria (PVS1_VeryStrong, PM2_supporting, PS3_supporting) (PMID: 25741868).

Literature cited by the submitters: NCBI Bookshelf 99496; PubMed 30716179.

NM_000397.4(CYBB):c.766del (p.Glu256fs)

Gene: CYBB (cytochrome b-245 beta chain; plus strand). Cytogenetic location: Xp21.1.
Variant type: Deletion.
Coding change: c.766del on transcript NM_000397.4 (MANE Select); coding-DNA position 766, one base deleted (G; older notation c.766delG).
Protein change: p.Glu256fs; shifts the reading frame from glutamic acid 256.
Molecular consequence: frameshift variant.
Genome position (GRCh38, 1-based): chrX:37,799,046, G deleted; the last of 2 consecutive G bases (chrX:37,799,045-37,799,046); deleting either gives the same sequence. VCF-style (leftmost placement, unchanged base first): chrX-37799044-AG-A. GRCh37 (hg19) VCF-style: chrX-37658297-AG-A.
Other names: short protein forms E256fs.
Identifiers: ClinVar variation 2498196 (VCV002498196.4), dbSNP rs2519204598, ClinGen allele CA2580100804.